The following is an entry in ClinVar:

ClinVar aggregate classification (germline): Uncertain significance. Review status: criteria provided, multiple submitters, no conflicts (2 of 4 stars). 2 submissions from 2 submitters: Uncertain significance (2). Last evaluated 2024-02-19.

Conditions:
Familial hypokalemia-hypomagnesemia (GTLMNS). Also called: HYPOMAGNESEMIA-HYPOKALEMIA, PRIMARY RENOTUBULAR, WITH HYPOCALCIURIA; POTASSIUM AND MAGNESIUM DEPLETION; gitelman syndrome. Identifiers: Orphanet 358, MedGen C0268450, MONDO:0009904, OMIM 263800.

Allele frequency attached by ClinVar (database versions not stated): TOPMed below 0.00001; gnomAD exomes below 0.00001 and 0.00001; ExAC 0.00002.
gnomAD v4.1: 5 of 1,614,028 alleles (0.00031%); highest among the groups gnomAD compares: East Asian, 0.0022%; no homozygotes.

Submissions (2):

Fulgent Genetics
Classification: Uncertain significance for Familial hypokalemia-hypomagnesemia. Last evaluated: 2024-02-19. Review status: criteria provided, single submitter. Criteria: ACMG Guidelines, 2015. Collection method: clinical testing. Allele origin: germline.

Labcorp Genetics (formerly Invitae), Labcorp
Classification: Uncertain significance. Last evaluated: 2021-10-19. Review status: criteria provided, single submitter. Criteria: Invitae Variant Classification Sherloc (09022015). Collection method: clinical testing. Allele origin: germline.
Comment: This sequence change replaces glutamic acid with lysine at codon 715 of the SLC12A3 protein (p.Glu715Lys). The glutamic acid residue is moderately conserved and there is a small physicochemical difference between glutamic acid and lysine. This variant is present in population databases (rs766585725, ExAC 0.02%). This variant has not been reported in the literature in individuals with SLC12A3-related conditions. Advanced modeling of protein sequence and biophysical properties (such as structural, functional, and spatial information, amino acid conservation, physicochemical variation, residue mobility, and thermodynamic stability) performed at Invitae indicates that this missense variant is not expected to disrupt SLC12A3 protein function. In summary, the available evidence is currently insufficient to determine the role of this variant in disease. Therefore, it has been classified as a Variant of Uncertain Significance.

NM_001126108.2(SLC12A3):c.2143G>A (p.Glu715Lys)

Gene: SLC12A3 (solute carrier family 12 member 3; plus strand). Cytogenetic location: 16q13.
Variant type: single nucleotide variant.
Coding change: c.2143G>A on transcript NM_001126108.2 (MANE Select); coding-DNA position 2143, G replaced by A.
Protein change: p.Glu715Lys; replaces glutamic acid 715 with lysine.
Molecular consequence: missense variant.
Genome position (GRCh38, 1-based): chr16:56,887,058, G>A. VCF-style: chr16-56887058-G-A. GRCh37 (hg19) VCF-style: chr16-56920970-G-A.
Other names: c.2143G>A, p.Glu715Lys (NM_000339.3); c.2140G>A, p.Glu714Lys (NM_001126107.2); short protein forms E714K, E715K.
Identifiers: ClinVar variation 1486241 (VCV001486241.4), dbSNP rs766585725, ClinGen allele CA8069747.